The following is an entry in ClinVar:

NM_005257.6(GATA6):c.460C>G (p.Leu154Val)

Gene: GATA6 (GATA binding protein 6; plus strand). Cytogenetic location: 18q11.2.
Variant type: single nucleotide variant.
Coding change: c.460C>G on transcript NM_005257.6 (MANE Select); coding-DNA position 460, C replaced by G.
Protein change: p.Leu154Val; replaces leucine 154 with valine.
Molecular consequence: missense variant.
Genome position (GRCh38, 1-based): chr18:22,171,604, C>G. VCF-style: chr18-22171604-C-G. GRCh37 (hg19) VCF-style: chr18-19751565-C-G.
Other names: c.460C>G (NM_005257.3); short protein forms L154V.
Identifiers: ClinVar variation 1477422 (VCV001477422.9), dbSNP rs2143275968, ClinGen allele CA401799717.

ClinVar aggregate classification (germline): Uncertain significance. Review status: criteria provided, multiple submitters, no conflicts (2 of 4 stars). 2 submissions from 2 submitters: Uncertain significance (2). Last evaluated 2025-09-10.

Conditions:
Atrioventricular septal defect 5 (AVSD5). Identifiers: MedGen C3280939, MONDO:0013769, OMIM 614474.
Inborn genetic diseases. Identifiers: MedGen C0950123, MeSH D030342.

Allele frequency attached by ClinVar (database versions not stated): gnomAD exomes below 0.00001.
gnomAD v4.1: 1 of 1,600,884 alleles (0.000062%); highest among the groups gnomAD compares: Non-Finnish European, 0.000085%; no homozygotes.

Submissions (2):

Ambry Genetics
Classification: Uncertain significance for Inborn genetic diseases. Last evaluated: 2025-09-10. Review status: criteria provided, single submitter. Criteria: Ambry Variant Classification Scheme 2023. Collection method: clinical testing. Allele origin: germline.

Labcorp Genetics (formerly Invitae), Labcorp
Classification: Uncertain significance for Atrioventricular septal defect 5. Last evaluated: 2024-02-19. Review status: criteria provided, single submitter. Criteria: Invitae Variant Classification Sherloc (09022015). Collection method: clinical testing. Allele origin: germline.
Comment: This sequence change replaces leucine, which is neutral and non-polar, with valine, which is neutral and non-polar, at codon 154 of the GATA6 protein (p.Leu154Val). This variant is not present in population databases (gnomAD no frequency). This variant has not been reported in the literature in individuals affected with GATA6-related conditions. ClinVar contains an entry for this variant (Variation ID: 1477422). Advanced modeling of protein sequence and biophysical properties (such as structural, functional, and spatial information, amino acid conservation, physicochemical variation, residue mobility, and thermodynamic stability) performed at Invitae indicates that this missense variant is not expected to disrupt GATA6 protein function with a negative predictive value of 80%. In summary, the available evidence is currently insufficient to determine the role of this variant in disease. Therefore, it has been classified as a Variant of Uncertain Significance.